The following is an entry in ClinVar:

ClinVar aggregate classification (germline): Likely benign. Review status: criteria provided, multiple submitters, no conflicts (2 of 4 stars). 2 submissions from 2 submitters: Likely benign (2). Last evaluated 2025-10-01.

Allele frequency attached by ClinVar (database versions not stated): gnomAD 0.00001; gnomAD exomes 0.00001; ExAC 0.00003; ESP Exome Variant Server 0.00008.
gnomAD v4.1: 8 of 1,463,810 alleles (0.00055%); highest among the groups gnomAD compares: Admixed American, 0.0033%; no homozygotes.

Submissions (2):

CeGaT Center for Human Genetics Tuebingen
Classification: Likely benign. Last evaluated: 2025-10-01. Review status: criteria provided, single submitter. Criteria: CeGaT Center For Human Genetics Tuebingen Variant Classification Criteria Version 2. Collection method: clinical testing. Allele origin: germline. Affected: yes. Observed: 1 variant allele.
Comment: CLTC: BP4, BP7

Labcorp Genetics (formerly Invitae), Labcorp
Classification: Likely benign. Last evaluated: 2024-08-19. Review status: criteria provided, single submitter. Criteria: Invitae Variant Classification Sherloc (09022015). Collection method: clinical testing. Allele origin: germline.

NM_004859.4(CLTC):c.2376T>C (p.Tyr792=)

Gene: CLTC (clathrin heavy chain; plus strand). Cytogenetic location: 17q23.1.
Variant type: single nucleotide variant.
Coding change: c.2376T>C on transcript NM_004859.4 (MANE Select); coding-DNA position 2376, T replaced by C.
Protein change: p.Tyr792=; no amino-acid change (tyrosine 792 retained).
Molecular consequence: synonymous variant.
Genome position (GRCh38, 1-based): chr17:59,673,730, T>C. VCF-style: chr17-59673730-T-C. GRCh37 (hg19) VCF-style: chr17-57751091-T-C.
Other names: c.2388T>C, p.Tyr796= (NM_001288653.2).
Identifiers: ClinVar variation 2999462 (VCV002999462.9), dbSNP rs369042448, ClinGen allele CA8681382.
Genomic context (GRCh38, chr17:59,673,730, plus strand): 5'-ACCACTTATCATTGTGTGTGATCGATTTGACTTTGTCCATGATTTGGTGCTCTATTTATA[T>C]AGAAATAATCTTCAAAAGTATATAGAGATATATGTACAGAAGGTAAGTAATATGTAGGTA-3'
Protein context (NP_004850.1, residues 782-802): DFVHDLVLYL[Tyr792=]RNNLQKYIEI